The following is an entry in ClinVar:

ClinVar aggregate classification (germline): Uncertain significance (1 of 4 stars; one submission).

Submission:

Labcorp Genetics (formerly Invitae), Labcorp
Classification: Uncertain significance. Last evaluated: 2023-08-17. Review status: criteria provided, single submitter. Criteria: Invitae Variant Classification Sherloc (09022015). Collection method: clinical testing. Allele origin: germline.
Comment: This variant has not been reported in the literature in individuals affected with SCO1-related conditions. This variant is not present in population databases (gnomAD no frequency). This sequence change replaces valine, which is neutral and non-polar, with glycine, which is neutral and non-polar, at codon 172 of the SCO1 protein (p.Val172Gly). In summary, the available evidence is currently insufficient to determine the role of this variant in disease. Therefore, it has been classified as a Variant of Uncertain Significance. Advanced modeling of protein sequence and biophysical properties (such as structural, functional, and spatial information, amino acid conservation, physicochemical variation, residue mobility, and thermodynamic stability) performed at Invitae indicates that this missense variant is expected to disrupt SCO1 protein function. ClinVar contains an entry for this variant (Variation ID: 1426608).

NM_004589.4(SCO1):c.515T>G (p.Val172Gly)

Gene: SCO1 (synthesis of cytochrome C oxidase 1; minus strand). Cytogenetic location: 17p13.1.
Variant type: single nucleotide variant.
Coding change: c.515T>G on transcript NM_004589.4 (MANE Select); coding-DNA position 515, T replaced by G.
Protein change: p.Val172Gly; replaces valine 172 with glycine.
Molecular consequence: missense variant.
Genome position (GRCh38, 1-based): chr17:10,692,811, A>C on the plus strand (T>G on the coding strand, the complement: SCO1 is on the minus strand). VCF-style: chr17-10692811-A-C. GRCh37 (hg19) VCF-style: chr17-10596128-A-C.
Other names: short protein forms V172G.
Identifiers: ClinVar variation 1426608 (VCV001426608.6), dbSNP rs2151457023, ClinGen allele CA398131346.